The following is an entry in ClinVar:

NM_001166108.2(PALLD):c.2764C>G (p.Gln922Glu)

Genes: CBR4 (carbonyl reductase 4; minus strand), PALLD (palladin, cytoskeletal associated protein; plus strand). Cytogenetic location: 4q32.3.
Variant type: single nucleotide variant.
Coding change: c.2764C>G on transcript NM_001166108.2 (MANE Select); coding-DNA position 2764, C replaced by G.
Protein change: p.Gln922Glu; replaces glutamine 922 with glutamic acid.
Molecular consequence: missense variant.
Genome position (GRCh38, 1-based): chr4:168,915,941, C>G. VCF-style: chr4-168915941-C-G. GRCh37 (hg19) VCF-style: chr4-169837092-C-G.
Other names: c.1252C>G (NM_001166110.1); c.1567C>G, p.Gln523Glu (NM_001166109.2); c.1252C>G, p.Gln418Glu (NM_001166110.2); c.592C>G, p.Gln198Glu (NM_001367567.1, NM_001367569.1); c.643C>G, p.Gln215Glu (NM_001367568.1, NM_001367570.1); c.2713C>G, p.Gln905Glu (NM_016081.4); c.2713C>G (NM_016081.3); short protein forms Q198E, Q215E, Q418E, Q523E, Q905E, Q922E.
Identifiers: ClinVar variation 1053279 (VCV001053279.9), dbSNP rs960430324, ClinGen allele CA109855905.
Genomic context (GRCh38, chr4:168,915,941, plus strand): 5'-TTTCTTGTTTCAAGGCCTCGTTCTAGATCAAGGGACAGTGGAGACGAAAATGAACCAATT[C>G]AGGAGCGATTCTTCAGACCTCACTTCTTGCAGGCTCCTGGAGATCTGACTGTTCAAGAAG-3'
Protein context (NP_001159580.1, residues 912-932): RDSGDENEPI[Gln922Glu]ERFFRPHFLQ

ClinVar aggregate classification (germline): Uncertain significance. Review status: criteria provided, multiple submitters, no conflicts (2 of 4 stars). 3 submissions from 2 submitters: Uncertain significance (3). Last evaluated 2022-12-24.

Conditions:
Inborn genetic diseases. Identifiers: MedGen C0950123, MeSH D030342.
Pancreatic adenocarcinoma. Identifiers: MedGen C0281361, MONDO:0006047, HP:0006725.
Hereditary cancer-predisposing syndrome. Also called: Tumor predisposition; Hereditary neoplastic syndrome; Hereditary Cancer Syndrome; Neoplastic Syndromes, Hereditary. Identifiers: Orphanet 140162, MedGen C0027672, MeSH D009386, MONDO:0015356.

Allele frequency attached by ClinVar (database versions not stated): gnomAD 0.00001; gnomAD exomes 0.00001; TOPMed 0.00001.
gnomAD v4.1: 12 of 1,612,878 alleles (0.00074%); highest among the groups gnomAD compares: Non-Finnish European, 0.001%; no homozygotes.

Submissions (3):

Ambry Genetics
Classification: Uncertain significance for Hereditary cancer-predisposing syndrome. Last evaluated: 2022-12-24. Review status: criteria provided, single submitter. Criteria: Ambry General Variant Classification Scheme_2022. Collection method: clinical testing. Allele origin: germline.
Comment: The p.Q905E variant (also known as c.2713C>G), located in coding exon 15 of the PALLD gene, results from a C to G substitution at nucleotide position 2713. The glutamine at codon 905 is replaced by glutamic acid, an amino acid with highly similar properties. This amino acid position is conserved. In addition, this alteration is predicted to be tolerated by in silico analysis. Since supporting evidence is limited at this time, the clinical significance of this alteration remains unclear.

Ambry Genetics
Classification: Uncertain significance for Inborn genetic diseases. Last evaluated: 2022-05-09. Review status: criteria provided, single submitter. Criteria: Ambry General Variant Classification Scheme_2022. Collection method: clinical testing. Allele origin: germline. Observed: 1 variant allele.

Labcorp Genetics (formerly Invitae), Labcorp
Classification: Uncertain significance for Pancreatic adenocarcinoma. Last evaluated: 2021-07-19. Review status: criteria provided, single submitter. Criteria: Invitae Variant Classification Sherloc (09022015). Collection method: clinical testing. Allele origin: germline.
Comment: This sequence change replaces glutamine with glutamic acid at codon 418 of the PALLD protein (p.Gln418Glu). The glutamine residue is highly conserved and there is a small physicochemical difference between glutamine and glutamic acid. This variant is not present in population databases (ExAC no frequency). This variant has not been reported in the literature in individuals with PALLD-related conditions. Algorithms developed to predict the effect of missense changes on protein structure and function are either unavailable or do not agree on the potential impact of this missense change (SIFT: "Deleterious"; PolyPhen-2: "Benign"; Align-GVGD: "Class C25"). In summary, the available evidence is currently insufficient to determine the role of this variant in disease. Therefore, it has been classified as a Variant of Uncertain Significance.